The following is an entry in ClinVar:

NM_007078.3(LDB3):c.139G>A (p.Asp47Asn)

Gene: LDB3 (LIM domain binding 3; plus strand). Cytogenetic location: 10q23.2.
Variant type: single nucleotide variant.
Coding change: c.139G>A on transcript NM_007078.3 (MANE Select); coding-DNA position 139, G replaced by A.
Protein change: p.Asp47Asn; replaces aspartic acid 47 with asparagine.
Molecular consequence: missense variant.
Genome position (GRCh38, 1-based): chr10:86,679,412, G>A. VCF-style: chr10-86679412-G-A. GRCh37 (hg19) VCF-style: chr10-88439169-G-A.
Other names: c.139G>A, p.Asp47Asn (NM_001080116.1, NM_001080114.2, NM_001080115.2 and 8 more transcripts); short protein forms D47N.
Identifiers: ClinVar variation 45517 (VCV000045517.22), dbSNP rs397517212, ClinGen allele CA136503.

ClinVar aggregate classification (germline): Uncertain significance. Review status: criteria provided, multiple submitters, no conflicts (2 of 4 stars). 5 submissions from 5 submitters: Uncertain significance (5). Last evaluated 2025-03-11.

Conditions:
Cardiovascular phenotype. Identifiers: MedGen CN230736.
Cardiomyopathy (CMYO). Also called: Cardiomyopathies. Identifiers: Orphanet 167848, MedGen C0878544, MONDO:0004994, HP:0001638. Inheritance: Various modes of inheritance.
Myofibrillar myopathy 4. Also called: Zaspopathy (type). Identifiers: Orphanet 98912, MedGen C4721886, MONDO:0012277, OMIM 609452.

Allele frequency attached by ClinVar (database versions not stated): gnomAD 0.00001; gnomAD exomes 0.00001 and 0.00005; TOPMed 0.00001.
gnomAD v4.1: 73 of 1,614,038 alleles (0.0045%); highest among the groups gnomAD compares: Non-Finnish European, 0.006%; no homozygotes.

Submissions (5):

Labcorp Genetics (formerly Invitae), Labcorp
Classification: Uncertain significance for Myofibrillar myopathy 4. Last evaluated: 2025-03-11. Review status: criteria provided, single submitter. Criteria: Invitae Variant Classification Sherloc (09022015). Collection method: clinical testing. Allele origin: germline.
Comment: This sequence change replaces aspartic acid, which is acidic and polar, with asparagine, which is neutral and polar, at codon 47 of the LDB3 protein (p.Asp47Asn). This variant is present in population databases (rs397517212, gnomAD 0.003%). This missense change has been observed in individual(s) with left ventricular noncompaction (PMID: 33500567). ClinVar contains an entry for this variant (Variation ID: 45517). An algorithm developed to predict the effect of missense changes on protein structure and function (PolyPhen-2) suggests that this variant is likely to be disruptive. In summary, the available evidence is currently insufficient to determine the role of this variant in disease. Therefore, it has been classified as a Variant of Uncertain Significance.

GeneDx
Classification: Uncertain significance. Last evaluated: 2019-09-30. Review status: criteria provided, single submitter. Criteria: GeneDx Variant Classification Process June 2021. Collection method: clinical testing. Allele origin: germline. Affected: yes.
Comment: Has not been previously published as pathogenic or benign to our knowledge; Reported in ClinVar as a variant of uncertain significance (ClinVar Variant ID#45517; Landrum et al., 2016); Not observed at a significant frequency in large population cohorts (Lek et al., 2016); In silico analysis, which includes protein predictors and evolutionary conservation, supports a deleterious effect

Ambry Genetics
Classification: Uncertain significance for Cardiovascular phenotype. Last evaluated: 2019-01-04. Review status: criteria provided, single submitter. Criteria: Ambry Variant Classification Scheme 2023. Collection method: clinical testing. Allele origin: germline.
Comment: The p.D47N variant (also known as c.139G>A), located in coding exon 2 of the LDB3 gene, results from a G to A substitution at nucleotide position 139. The aspartic acid at codon 47 is replaced by asparagine, an amino acid with highly similar properties. This amino acid position is highly conserved in available vertebrate species. In addition, the in silico prediction for this alteration is inconclusive. Since supporting evidence is limited at this time, the clinical significance of this alteration remains unclear.

CHEO Genetics Diagnostic Laboratory, Children's Hospital of Eastern Ontario
Classification: Uncertain significance for Cardiomyopathy. Last evaluated: 2018-10-16. Review status: criteria provided, single submitter. Criteria: ACMG Guidelines, 2015. Collection method: clinical testing. Allele origin: germline.

Laboratory for Molecular Medicine, Mass General Brigham Personalized Medicine
Classification: Uncertain significance. Last evaluated: 2012-05-24. Review status: criteria provided, single submitter. Criteria: LMM Criteria. Collection method: clinical testing. Allele origin: germline. Observed: 1 variant allele.
Comment: The Asp47Asn variant in LDB3 has not been reported in the literature nor previou sly identified by our laboratory. This variant has not been identified in a very large and broad population by the NHLBI Exome Sequencing Project (.). This low frequency is consistent with a disease causing ro le, but insufficient to establish this with confidence. Computational analyses ( biochemical amino acid properties, conservation, AlignGVGD, PolyPhen2, and SIFT) do not provide strong support for or against an impact to the protein. Addition al information is needed to fully assess the clinical significance of the Asp47A sn variant.

Literature cited by the submitters: PubMed 33500567 (cited by Labcorp Genetics (formerly Invitae), Labcorp).